The following is an entry in ClinVar:

ClinVar aggregate classification (germline): Uncertain significance. Review status: criteria provided, multiple submitters, no conflicts (2 of 4 stars). 2 submissions from 2 submitters: Uncertain significance (2). Last evaluated 2026-09-08.

Conditions:
Familial melanoma. Also called: Hereditary melanoma; Hereditary cutaneous melanoma. Identifiers: Orphanet 618, MedGen C1512419, MONDO:0018961.
Hereditary cancer-predisposing syndrome. Also called: Tumor predisposition; Hereditary Cancer Syndrome; Hereditary neoplastic syndrome; Neoplastic Syndromes, Hereditary. Identifiers: Orphanet 140162, MedGen C0027672, MeSH D009386, MONDO:0015356.

Submissions (2):

Ambry Genetics
Classification: Uncertain significance for Hereditary cancer-predisposing syndrome. Last evaluated: 2026-09-08. Review status: criteria provided, single submitter. Criteria: Ambry Variant Classification Scheme 2023. Collection method: clinical testing. Allele origin: germline.
Comment: The p.R283P variant (also known as c.848G>C), located in coding exon 7 of the CDK4 gene, results from a G to C substitution at nucleotide position 848. The arginine at codon 283 is replaced by proline, an amino acid with dissimilar properties. This amino acid position is highly conserved in available vertebrate species. In addition, this alteration is predicted to be deleterious by in silico analysis. Based on the available evidence, the clinical significance of this variant remains unclear.

Labcorp Genetics (formerly Invitae), Labcorp
Classification: Uncertain significance for Familial melanoma. Last evaluated: 2020-06-13. Review status: criteria provided, single submitter. Criteria: Invitae Variant Classification Sherloc (09022015). Collection method: clinical testing. Allele origin: germline.
Comment: Algorithms developed to predict the effect of missense changes on protein structure and function (SIFT, PolyPhen-2, Align-GVGD) all suggest that this variant is likely to be disruptive, but these predictions have not been confirmed by published functional studies and their clinical significance is uncertain. In summary, the available evidence is currently insufficient to determine the role of this variant in disease. Therefore, it has been classified as a Variant of Uncertain Significance. This variant has not been reported in the literature in individuals with CDK4-related conditions. This variant is not present in population databases (ExAC no frequency). This sequence change replaces arginine with proline at codon 283 of the CDK4 protein (p.Arg283Pro). The arginine residue is highly conserved and there is a moderate physicochemical difference between arginine and proline.

NM_000075.4(CDK4):c.848G>C (p.Arg283Pro)

Genes: CDK4 (cyclin dependent kinase 4; minus strand), TSPAN31 (tetraspanin 31; plus strand). Cytogenetic location: 12q14.1.
Variant type: single nucleotide variant.
Coding change: c.848G>C on transcript NM_000075.4 (MANE Select); coding-DNA position 848, G replaced by C.
Protein change: p.Arg283Pro; replaces arginine 283 with proline.
Molecular consequence: missense variant. On other transcripts: 3 prime UTR variant (3).
Genome position (GRCh38, 1-based): chr12:57,748,589, C>G on the plus strand (G>C on the coding strand, the complement: CDK4 is on the minus strand). VCF-style: chr12-57748589-C-G. GRCh37 (hg19) VCF-style: chr12-58142372-C-G.
Other names: c.848G>C (NM_000075.3); c.*1299C>G (NM_001330168.2, NM_001330169.2, NM_005981.5); short protein forms R283P.
Identifiers: ClinVar variation 1054508 (VCV001054508.10), dbSNP rs1595107806, ClinGen allele CA385542475.